The following is an entry in ClinVar:

NM_001447.3(FAT2):c.1527C>T (p.Pro509=)

Gene: FAT2 (FAT atypical cadherin 2; minus strand). Cytogenetic location: 5q33.1.
Variant type: single nucleotide variant.
Coding change: c.1527C>T on transcript NM_001447.3 (MANE Select); coding-DNA position 1527, C replaced by T.
Protein change: p.Pro509=; no amino-acid change (proline 509 retained).
Molecular consequence: synonymous variant.
Genome position (GRCh38, 1-based): chr5:151,567,405, G>A on the plus strand (C>T on the coding strand, the complement: FAT2 is on the minus strand). VCF-style: chr5-151567405-G-A. GRCh37 (hg19) VCF-style: chr5-150946966-G-A.
Identifiers: ClinVar variation 1242230 (VCV001242230.10), dbSNP rs1465690, ClinGen allele CA3522241.

ClinVar aggregate classification (germline): Benign. Review status: criteria provided, multiple submitters, no conflicts (2 of 4 stars). 4 submissions from 4 submitters: Benign (3). 1 of the submissions does not count toward it. Last evaluated 2026-02-03.

Conditions:
FAT2-related disorder. Also called: FAT2-related condition.
Spinocerebellar ataxia 45. Identifiers: Orphanet 589527, MedGen C4540400, MONDO:0033480, OMIM 617769.

Allele frequency attached by ClinVar (database versions not stated): gnomAD exomes 0.91626; 1000 Genomes Project 0.86881; TOPMed 0.88655; gnomAD 0.90272 and 0.90395; ESP Exome Variant Server 0.92096; 1000 Genomes Project 30x 0.86821.
gnomAD v4.1: 1,476,464 of 1,614,030 alleles (91%); highest among the groups gnomAD compares: Non-Finnish European, 93%; 678,460 homozygotes.

Submissions (4):

Labcorp Genetics (formerly Invitae), Labcorp
Classification: Benign. Last evaluated: 2026-02-03. Review status: criteria provided, single submitter. Criteria: Invitae Variant Classification Sherloc (09022015). Collection method: clinical testing. Allele origin: germline.

Genome-Nilou Lab
Classification: Benign for Spinocerebellar ataxia 45. Last evaluated: 2021-08-10. Review status: criteria provided, single submitter. Criteria: ACMG Guidelines, 2015. Collection method: clinical testing. Allele origin: germline. Affected: no.

GeneDx
Classification: Benign. Last evaluated: 2021-05-04. Review status: criteria provided, single submitter. Criteria: GeneDx Variant Classification Process June 2021. Collection method: clinical testing. Allele origin: germline. Affected: yes.

PreventionGenetics, part of Exact Sciences
Classification: Benign for FAT2-related condition. Last evaluated: 2019-07-08. Review status: no assertion criteria provided. Collection method: clinical testing. Allele origin: germline. Not counted in ClinVar's aggregate classification.
Comment: This variant is classified as benign based on ACMG/AMP sequence variant interpretation guidelines (Richards et al. 2015 PMID: 25741868, with internal and published modifications).